The following is an entry in ClinVar:

NM_000878.5(IL2RB):c.1321C>A (p.Pro441Thr)

Gene: IL2RB (interleukin 2 receptor subunit beta; minus strand). Cytogenetic location: 22q12.3.
Variant type: single nucleotide variant.
Coding change: c.1321C>A on transcript NM_000878.5 (MANE Select); coding-DNA position 1321, C replaced by A.
Protein change: p.Pro441Thr; replaces proline 441 with threonine.
Molecular consequence: missense variant.
Genome position (GRCh38, 1-based): chr22:37,128,431, G>T on the plus strand (C>A on the coding strand, the complement: IL2RB is on the minus strand). VCF-style: chr22-37128431-G-T. GRCh37 (hg19) VCF-style: chr22-37524471-G-T.
Other names: c.1321C>A, p.Pro441Thr (NM_001346222.1, NM_001346223.2); short protein forms P441T.
Identifiers: ClinVar variation 3607546 (VCV003607546.1).

ClinVar aggregate classification (germline): Uncertain significance (1 of 4 stars; one submission).

gnomAD v4.1: 5 of 1,534,486 alleles (0.00033%); highest among the groups gnomAD compares: Non-Finnish European, 0.00026%; no homozygotes.

Submission:

Labcorp Genetics (formerly Invitae), Labcorp
Classification: Uncertain significance. Last evaluated: 2024-11-27. Review status: criteria provided, single submitter. Criteria: Invitae Variant Classification Sherloc (09022015). Collection method: clinical testing. Allele origin: germline.
Comment: This sequence change replaces proline, which is neutral and non-polar, with threonine, which is neutral and polar, at codon 441 of the IL2RB protein (p.Pro441Thr). This variant is present in population databases (rs764933753, gnomAD 0.006%). This variant has not been reported in the literature in individuals affected with IL2RB-related conditions. An algorithm developed to predict the effect of missense changes on protein structure and function (PolyPhen-2) suggests that this variant is likely to be disruptive. In summary, the available evidence is currently insufficient to determine the role of this variant in disease. Therefore, it has been classified as a Variant of Uncertain Significance.